The following is an entry in ClinVar:

ClinVar aggregate classification (germline): Pathogenic (1 of 4 stars; one submission).

Conditions:
Brugada syndrome 5 (BRGDA5). Identifiers: Orphanet 130, Orphanet 871, MedGen C2748541, MONDO:0013015, OMIM 612838.

Submission:

Labcorp Genetics (formerly Invitae), Labcorp
Classification: Pathogenic for Brugada syndrome 5. Last evaluated: 2025-10-11. Review status: criteria provided, single submitter. Criteria: Invitae Variant Classification Sherloc (09022015). Collection method: clinical testing. Allele origin: germline.
Comment: This sequence change creates a premature translational stop signal (p.Tyr119*) in the SCN1B gene. While this is not anticipated to result in nonsense mediated decay, it is expected to disrupt the last 150 amino acid(s) of the SCN1B protein. This variant is not present in population databases (gnomAD no frequency). This variant has not been reported in the literature in individuals affected with SCN1B-related conditions. This variant disrupts a region of the SCN1B protein in which other variant(s) (p.Cys121Trp) have been determined to be pathogenic (PMID: 9697698, 12011299, 17020904). This suggests that this is a clinically significant region of the protein, and that variants that disrupt it are likely to be disease-causing. For these reasons, this variant has been classified as Pathogenic.

Literature cited by the submitters: PubMed 9697698; PubMed 12011299; PubMed 17020904.

NM_001037.5(SCN1B):c.357C>A (p.Tyr119Ter)

Gene: SCN1B (sodium voltage-gated channel beta subunit 1; plus strand). Cytogenetic location: 19q13.11.
Variant type: single nucleotide variant.
Coding change: c.357C>A on transcript NM_001037.5 (MANE Select); coding-DNA position 357, C replaced by A.
Protein change: p.Tyr119Ter; replaces tyrosine 119 with a stop codon.
Molecular consequence: nonsense.
Genome position (GRCh38, 1-based): chr19:35,033,648, C>A. VCF-style: chr19-35033648-C-A. GRCh37 (hg19) VCF-style: chr19-35524552-C-A.
Other names: c.258C>A, p.Tyr86Ter (NM_001321605.2); c.357C>A, p.Tyr119Ter (NM_199037.5); short protein forms Y119*, Y86*.
Identifiers: ClinVar variation 4726829 (VCV004726829.1).
Genomic context (GRCh38, chr19:35,033,648, plus strand): 5'-AGACCTGCAGGATCTGTCTATCTTCATCACCAATGTCACCTACAACCACTCGGGCGACTA[C>A]GAGTGCCACGTCTACCGCCTGCTCTTCTTCGAAAACTACGAGCACAACACCAGCGTCGTC-3'